The following is an entry in ClinVar:

ClinVar aggregate classification (germline): Uncertain significance. Review status: criteria provided, multiple submitters, no conflicts (2 of 4 stars). 2 submissions from 2 submitters: Uncertain significance (2). Last evaluated 2023-09-15.

Conditions:
Inborn genetic diseases. Identifiers: MedGen C0950123, MeSH D030342.

Allele frequency attached by ClinVar (database versions not stated): TOPMed 0.00003.

Submissions (2):

GeneDx
Classification: Uncertain significance. Last evaluated: 2023-09-15. Review status: criteria provided, single submitter. Criteria: GeneDx Variant Classification Process June 2021. Collection method: clinical testing. Allele origin: germline. Affected: yes.
Comment: Observed in a patient with schizophrenia in published literature (de Sena Cortabitarte et al., 2017); Not observed at significant frequency in large population cohorts (gnomAD); In silico analysis supports that this missense variant has a deleterious effect on protein structure/function; This variant is associated with the following publications: (PMID: 28371232)

Ambry Genetics
Classification: Uncertain significance for Inborn genetic diseases. Last evaluated: 2023-01-27. Review status: criteria provided, single submitter. Criteria: Ambry Variant Classification Scheme 2023. Collection method: clinical testing. Allele origin: germline.

Literature cited by the submitters: PubMed 28371232 (cited by Ambry Genetics).

NM_001372044.2(SHANK3):c.3793G>A (p.Asp1265Asn)

Gene: SHANK3 (SH3 and multiple ankyrin repeat domains 3; plus strand). Cytogenetic location: 22q13.33.
Variant type: single nucleotide variant.
Coding change: c.3793G>A on transcript NM_001372044.2 (MANE Select); coding-DNA position 3793, G replaced by A.
Protein change: p.Asp1265Asn; replaces aspartic acid 1265 with asparagine.
Molecular consequence: missense variant.
Genome position (GRCh38, 1-based): chr22:50,721,401, G>A. VCF-style: chr22-50721401-G-A. GRCh37 (hg19) VCF-style: chr22-51159829-G-A.
Other names: c.3568G>A, p.Asp1190Asn (NM_033517.1); short protein forms D1190N, D1265N.
Identifiers: ClinVar variation 1706911 (VCV001706911.6), dbSNP rs756956358, ClinGen allele CA515262274.
Genomic context (GRCh38, chr22:50,721,401, plus strand): 5'-CCTGTGCCTGCTCGCAGGGAGGCAGAGAAGGTCCCCCGGGAGGAGCGGAAGTCACCCGAG[G>A]ACAAGAAGTCCATGATCCTCAGCGTCCTGGACACATCCCTGCAGCGGCCAGCTGGCCTCA-3'
Protein context (NP_001358973.1, residues 1255-1275): VPREERKSPE[Asp1265Asn]KKSMILSVLD